The following is an entry in ClinVar:

NM_005896.4(IDH1):c.839C>G (p.Ser280Cys)

Gene: IDH1 (isocitrate dehydrogenase (NADP(+)) 1; minus strand). Cytogenetic location: 2q34.
Variant type: single nucleotide variant.
Coding change: c.839C>G on transcript NM_005896.4 (MANE Select); coding-DNA position 839, C replaced by G.
Protein change: p.Ser280Cys; replaces serine 280 with cysteine.
Molecular consequence: missense variant.
Genome position (GRCh38, 1-based): chr2:208,242,005, G>C on the plus strand (C>G on the coding strand, the complement: IDH1 is on the minus strand). VCF-style: chr2-208242005-G-C. GRCh37 (hg19) VCF-style: chr2-209106729-G-C.
Other names: c.839C>G, p.Ser280Cys (NM_001282386.1, NM_001282387.1); short protein forms S280C.
Identifiers: ClinVar variation 1763217 (VCV001763217.2), dbSNP rs757389021, ClinGen allele CA350095910.

ClinVar aggregate classification (germline): Uncertain significance (1 of 4 stars; one submission).

Allele frequency attached by ClinVar (database versions not stated): TOPMed below 0.00001; gnomAD 0.00001.
gnomAD v4.1: 4 of 1,612,112 alleles (0.00025%); highest among the groups gnomAD compares: Admixed American, 0.0067%; no homozygotes.

Submission:

Ambry Genetics
Classification: Uncertain significance. Last evaluated: 2023-12-31. Review status: criteria provided, single submitter. Criteria: Ambry Variant Classification Scheme 2023. Collection method: clinical testing. Allele origin: germline.
Comment: The p.S280C variant (also known as c.839C>G), located in coding exon 5 of the IDH1 gene, results from a C to G substitution at nucleotide position 839. The serine at codon 280 is replaced by cysteine, an amino acid with dissimilar properties. This amino acid position is conserved. In addition, the in silico prediction for this alteration is inconclusive. Since supporting evidence is limited at this time, the clinical significance of this alteration remains unclear.